The following is an entry in ClinVar:

NM_001273.5(CHD4):c.578dup (p.Asn193fs)

Gene: CHD4 (chromodomain helicase DNA binding protein 4; minus strand). Cytogenetic location: 12p13.31.
Variant type: Duplication.
Coding change: c.578dup on transcript NM_001273.5 (MANE Select); coding-DNA position 578, one base duplicated (A; older notation c.578dupA).
Protein change: p.Asn193fs; shifts the reading frame from asparagine 193.
Molecular consequence: frameshift variant.
Genome position (GRCh38, 1-based): chr12:6,601,510, T duplicated on the plus strand (A on the coding strand, the reverse complement: CHD4 is on the minus strand); the first of 5 consecutive T bases (chr12:6,601,510-6,601,514); duplicating any one gives the same sequence. VCF-style (leftmost placement, unchanged base first): chr12-6601509-A-AT. GRCh37 (hg19) VCF-style: chr12-6710675-A-AT.
Other names: c.557dup, p.Asn186fs (NM_001297553.2); c.578dup, p.Asn193fs (NM_001363606.2); short protein forms N186fs, N193fs.
Identifiers: ClinVar variation 3363445 (VCV003363445.1).

ClinVar aggregate classification (germline): Uncertain significance (1 of 4 stars; one submission).

Submission:

GeneDx
Classification: Uncertain significance. Last evaluated: 2023-10-25. Review status: criteria provided, single submitter. Criteria: GeneDx Variant Classification Process June 2021. Collection method: clinical testing. Allele origin: germline. Affected: yes.
Comment: Frameshift variant predicted to result in protein truncation or nonsense mediated decay in a gene or region of a gene for which loss of function is not a well-established mechanism of disease; Not observed at significant frequency in large population cohorts (gnomAD); Has not been previously published as pathogenic or benign to our knowledge